The following is an entry in ClinVar:

ClinVar aggregate classification (germline): Uncertain significance (1 of 4 stars; one submission).

Conditions:
Bloom syndrome (BLM). Also called: Bloom-Torre-Machacek syndrome. Identifiers: Orphanet 125, MedGen C0005859, MONDO:0008876, OMIM 210900.

Submission:

Labcorp Genetics (formerly Invitae), Labcorp
Classification: Uncertain significance for Bloom syndrome. Last evaluated: 2025-10-10. Review status: criteria provided, single submitter. Criteria: Invitae Variant Classification Sherloc (09022015). Collection method: clinical testing. Allele origin: germline.
Comment: This sequence change replaces phenylalanine, which is neutral and non-polar, with leucine, which is neutral and non-polar, at codon 1045 of the BLM protein (p.Phe1045Leu). This variant is not present in population databases (gnomAD no frequency). This variant has not been reported in the literature in individuals affected with BLM-related conditions. Invitae Evidence Modeling of protein sequence and biophysical properties (such as structural, functional, and spatial information, amino acid conservation, physicochemical variation, residue mobility, and thermodynamic stability) indicates that this missense variant is not expected to disrupt BLM protein function with a negative predictive value of 80%. In summary, the available evidence is currently insufficient to determine the role of this variant in disease. Therefore, it has been classified as a Variant of Uncertain Significance.

NM_000057.4(BLM):c.3133T>C (p.Phe1045Leu)

Gene: BLM (BLM RecQ like helicase; plus strand). Cytogenetic location: 15q26.1.
Variant type: single nucleotide variant.
Coding change: c.3133T>C on transcript NM_000057.4 (MANE Select); coding-DNA position 3133, T replaced by C.
Protein change: p.Phe1045Leu; replaces phenylalanine 1045 with leucine.
Molecular consequence: missense variant.
Genome position (GRCh38, 1-based): chr15:90,794,280, T>C. VCF-style: chr15-90794280-T-C. GRCh37 (hg19) VCF-style: chr15-91337510-T-C.
Other names: c.3133T>C, p.Phe1045Leu (NM_001287246.2, NM_001287247.2); c.2008T>C, p.Phe670Leu (NM_001287248.2); short protein forms F670L, F1045L.
Identifiers: ClinVar variation 4736766 (VCV004736766.1).
Genomic context (GRCh38, chr15:90,794,280, plus strand): 5'-AGCATGGTACATTACTGTGAAAATATAACGGAATGCAGGAGAATACAGCTTTTGGCCTAC[T>C]TTGGTGAAAATGGATTTAATCCTGATTTTTGTAAGAAACACCCAGATGTTTCTTGTGATA-3'
Protein context (NP_000048.1, residues 1035-1055): ECRRIQLLAY[Phe1045Leu]GENGFNPDFC